The following is an entry in ClinVar:

ClinVar aggregate classification (germline): Likely pathogenic (1 of 4 stars; one submission).

Submission:

Quest Diagnostics Nichols Institute San Juan Capistrano
Classification: Likely pathogenic. Last evaluated: 2022-03-02. Review status: criteria provided, single submitter. Criteria: ACMG/ClinGen CNV Guidelines, 2019. Collection method: clinical testing. Allele origin: unknown.
Comment: Terminal 3p26.3 deletions have been described in families with affected patients presenting with microcephaly, light intellectual disability, and learning and language difficulties (PMIDs: 21457564, 20101686). In addition, variations including the CNTN6 gene have also been implicated as a cause for intellectual disability (PMID:25606055). Yet, in all instances the imbalance was inherited from a healthy parent. In addition, several control subjects reported in the online Database of Genomic Variants have variations over this locus and these genes. Therefore, the penetrance of variation in 3p26.3 appears to be reduced. However, based on reports (PMIDs: 30508811, 33519384) of cases supporting a clinical phenotype due to copy number variation (CNV), the clinical significance has been interpreted as likely pathogenic.

GRCh37/hg19 3p26.3(chr3:61891-1717877)x1

Genes: CHL1 (cell adhesion molecule L1 like; plus strand), CNTN6 (contactin 6; plus strand). Cytogenetic location: 3p26.3.
Variant type: copy number loss.
Change: copy number 1 (one copy instead of two) of chr3:61,891-1,717,877 (1.66 Mb, GRCh37 coordinates, 1-based), cytogenetic band 3p26.3.
Identifiers: ClinVar variation 814387 (VCV000814387.2).